The following is an entry in ClinVar:

NM_000138.5(FBN1):c.4755del (p.Glu1584_Tyr1585insTer)

Gene: FBN1 (fibrillin 1; minus strand). Cytogenetic location: 15q21.1.
Variant type: Deletion.
Coding change: c.4755del on transcript NM_000138.5 (MANE Select); coding-DNA position 4755, one base deleted (C; older notation c.4755delC).
Protein change: p.Glu1584_Tyr1585insTer.
Molecular consequence: nonsense.
Genome position (GRCh38, 1-based): chr15:48,465,851, G deleted on the plus strand (C on the coding strand, the reverse complement: FBN1 is on the minus strand). VCF-style (leftmost placement, unchanged base first): chr15-48465850-TG-T. GRCh37 (hg19) VCF-style: chr15-48758047-TG-T.
Other names: c.4755del, p.Glu1584_Tyr1585insTer (NM_001406716.1); c.4755delC (NM_000138.5).
Identifiers: ClinVar variation 3339239 (VCV003339239.1).

ClinVar aggregate classification (germline): Pathogenic (1 of 4 stars; one submission).

Conditions:
Marfan Syndrome/Loeys-Dietz Syndrome/Familial Thoracic Aortic Aneurysms and Dissections. Identifiers: MedGen CN229799.

Submission:

Women's Health and Genetics/Laboratory Corporation of America, LabCorp
Classification: Pathogenic for Marfan Syndrome/Loeys-Dietz Syndrome/Familial Thoracic Aortic Aneurysms and Dissections. Last evaluated: 2024-07-01. Review status: criteria provided, single submitter. Criteria: LabCorp Variant Classification Summary - May 2015. Collection method: clinical testing. Allele origin: germline.
Comment: Variant summary: FBN1 c.4755delC (p.Tyr1585X) results in a premature termination codon, predicted to cause a truncation of the encoded protein or absence of the protein due to nonsense mediated decay, which are commonly known mechanisms for disease. The variant was absent in 250650 control chromosomes (gnomAD). c.4755delC has been reported in the literature in at least an individual affected with clinical features of Marfan Syndrome (example: Baudhuin_2015). To our knowledge, no experimental evidence demonstrating an impact on protein function has been reported. The following publication has been ascertained in the context of this evaluation (PMID: 25101912). No submitters have cited clinical-significance assessments for this variant to ClinVar. Based on the evidence outlined above, the variant was classified as pathogenic.

Literature cited by the submitters: PubMed 25101912.